The following is an entry in ClinVar:

NM_015426.5(POC1A):c.276-2A>T

Gene: POC1A (POC1 centriolar protein A; minus strand). Cytogenetic location: 3p21.2.
Variant type: single nucleotide variant.
Coding change: c.276-2A>T on transcript NM_015426.5 (MANE Select); the canonical splice acceptor site of the intron before coding-DNA position 276, A replaced by T.
Molecular consequence: splice acceptor variant.
Genome position (GRCh38, 1-based): chr3:52,149,391, T>A on the plus strand (A>T on the coding strand, the complement: POC1A is on the minus strand). VCF-style: chr3-52149391-T-A. GRCh37 (hg19) VCF-style: chr3-52183407-T-A.
Other names: c.276-2A>T (NM_001161580.2); c.162-2A>T (NM_001161581.2).
Identifiers: ClinVar variation 1946319 (VCV001946319.5), dbSNP rs2470912237, ClinGen allele CA353050336.

ClinVar aggregate classification (germline): Likely pathogenic (1 of 4 stars; one submission).

Submission:

Labcorp Genetics (formerly Invitae), Labcorp
Classification: Likely pathogenic. Last evaluated: 2022-07-09. Review status: criteria provided, single submitter. Criteria: Invitae Variant Classification Sherloc (09022015). Collection method: clinical testing. Allele origin: germline.
Comment: This variant is not present in population databases (gnomAD no frequency). This sequence change affects an acceptor splice site in intron 3 of the POC1A gene. It is expected to disrupt RNA splicing. Variants that disrupt the donor or acceptor splice site typically lead to a loss of protein function (PMID: 16199547), and loss-of-function variants in POC1A are known to be pathogenic (PMID: 22840364, 26336158, 26374189). In summary, the currently available evidence indicates that the variant is pathogenic, but additional data are needed to prove that conclusively. Therefore, this variant has been classified as Likely Pathogenic. This variant has not been reported in the literature in individuals affected with POC1A-related conditions. Algorithms developed to predict the effect of sequence changes on RNA splicing suggest that this variant may disrupt the consensus splice site.

Literature cited by the submitters: PubMed 16199547; PubMed 22840364; PubMed 26336158; PubMed 26374189.